The following is an entry in ClinVar:

NM_130837.3(OPA1):c.556+2T>A

Gene: OPA1 (OPA1 mitochondrial dynamin like GTPase; plus strand). Cytogenetic location: 3q29.
Variant type: single nucleotide variant.
Coding change: c.556+2T>A on transcript NM_130837.3 (MANE Select); the canonical splice donor site of the intron after coding-DNA position 556, T replaced by A.
Molecular consequence: splice donor variant. On other transcripts: intron variant (5).
Genome position (GRCh38, 1-based): chr3:193,617,287, T>A. VCF-style: chr3-193617287-T-A. GRCh37 (hg19) VCF-style: chr3-193335076-T-A.
Other names: c.556+2T>A (NM_130834.3, NM_130836.3, NM_015560.3); c.449-497T>A (NM_130835.3, NM_130832.3); c.448+1517T>A (NM_130833.3, NM_130831.3); c.184+2T>A (NM_001354664.2); c.76+1517T>A (NM_001354663.2).
Identifiers: ClinVar variation 4882472 (VCV004882472.2).

ClinVar aggregate classification (germline): Likely pathogenic (1 of 4 stars; one submission).

Submission:

Dasa
Classification: Likely pathogenic. Last evaluated: 2025-05-13. Review status: criteria provided, single submitter. Criteria: DASA Assertion Criteria. Collection method: clinical testing. Allele origin: germline.
Comment: NM_130837.3(OPA1):c.556+2T>A affects a canonical splice site and is predicted to disrupt normal RNA splicing. Loss of function is an established disease mechanism for OPA1-associated disorders. Also, this variant is absent from population databases. Based on the currently available evidence, this variant is classified as likely pathogenic.